The following is an entry in ClinVar:

NM_001348323.3(TRIP12):c.2586T>C (p.Asn862=)

Gene: TRIP12 (thyroid hormone receptor interactor 12; minus strand). Cytogenetic location: 2q36.3.
Variant type: single nucleotide variant.
Coding change: c.2586T>C on transcript NM_001348323.3 (MANE Select); coding-DNA position 2586, T replaced by C.
Protein change: p.Asn862=; no amino-acid change (asparagine 862 retained).
Molecular consequence: synonymous variant.
Genome position (GRCh38, 1-based): chr2:229,805,794, A>G on the plus strand (T>C on the coding strand, the complement: TRIP12 is on the minus strand). VCF-style: chr2-229805794-A-G. GRCh37 (hg19) VCF-style: chr2-230670510-A-G.
Other names: c.2505T>C, p.Asn835= (NM_001284214.2, NM_001348315.2); c.2460T>C, p.Asn820= (NM_001284215.2, NM_001348316.2, NM_001348317.1 and 1 more transcripts); c.1551T>C, p.Asn517= (NM_001284216.2); c.2586T>C, p.Asn862= (NM_001348319.1, NM_001348320.2, NM_001348322.1 and 4 more transcripts); c.2589T>C, p.Asn863= (NM_001348321.1, NM_001348328.1, NM_001348329.2 and 1 more transcripts); c.2379T>C, p.Asn793= (NM_001348331.1); c.2499T>C, p.Asn833= (NM_001348332.1); c.2508T>C, p.Asn836= (NM_001348333.1); and 1 more.
Identifiers: ClinVar variation 2578900 (VCV002578900.26), dbSNP rs148271689, ClinGen allele CA2152965.

ClinVar aggregate classification (germline): Likely benign. Review status: criteria provided, multiple submitters, no conflicts (2 of 4 stars). 2 submissions from 2 submitters: Likely benign (2). Last evaluated 2026-08-01.

Allele frequency attached by ClinVar (database versions not stated): 1000 Genomes Project 30x 0.00016; 1000 Genomes Project 0.00020; ESP Exome Variant Server 0.00085; gnomAD 0.00090; ExAC 0.00091; TOPMed 0.00092; gnomAD exomes 0.00137.
gnomAD v4.1: 2,106 of 1,611,604 alleles (0.13%); highest among the groups gnomAD compares: Non-Finnish European, 0.16%; 4 homozygotes.

Submissions (2):

CeGaT Center for Human Genetics Tuebingen
Classification: Likely benign. Last evaluated: 2026-08-01. Review status: criteria provided, single submitter. Criteria: CeGaT Center For Human Genetics Tuebingen Variant Classification Criteria Version 2. Collection method: clinical testing. Allele origin: germline. Affected: yes. Observed: 4 variant alleles.
Comment: TRIP12: BP4, BS1

Blueprint Genetics
Classification: Likely benign. Last evaluated: 2024-11-19. Review status: criteria provided, single submitter. Criteria: ACMG Guidelines, 2015. Collection method: clinical testing. Allele origin: germline.